The following is an entry in ClinVar:

ClinVar aggregate classification (germline): Pathogenic/Likely pathogenic. Review status: criteria provided, multiple submitters, no conflicts (2 of 4 stars). 2 submissions from 2 submitters: Pathogenic (1); Likely pathogenic (1). Last evaluated 2024-05-20.

Conditions:
Retinoblastoma (RB1). Also called: RETINOBLASTOMA, SOMATIC. Identifiers: Orphanet 790, MedGen C0035335, MeSH D012175, MONDO:0008380, OMIM 180200, HP:0009919. Disease mechanism: loss of function. Inheritance: Both sporadic and heritable forms are tested..

Submissions (2):

Genetic Diagnostic Laboratory, University of Pennsylvania School of Medicine
Classification: Pathogenic for Retinoblastoma. Last evaluated: 2024-05-20. Review status: criteria provided, single submitter. Criteria: ACMG Guidelines, 2015. Collection method: clinical testing. Allele origin: germline. Affected: yes. Observed: 3 variant alleles.
Comment: Case and Pedigree Information: BILATERAL CASES:1, UNILATERAL CASES:2, TOTAL CASES:3, PEDIGREES:2 (one pedigree contains both unilateral and bilateral cases). ACMG Codes Applied:PVS1, PM2, PS4SUP

Labcorp Genetics (formerly Invitae), Labcorp
Classification: Likely pathogenic for Retinoblastoma. Last evaluated: 2020-03-19. Review status: criteria provided, single submitter. Criteria: Invitae Variant Classification Sherloc (09022015). Collection method: clinical testing. Allele origin: germline.
Comment: This sequence change affects codon 313 of the RB1 mRNA. It is a 'silent' change, meaning that it does not change the encoded amino acid sequence of the RB1 protein. This variant also falls at the last nucleotide of exon 9 of the RB1 coding sequence, which is part of the consensus splice site for this exon. This variant is not present in population databases (ExAC no frequency). This variant has been observed in individual(s) with retinoblastoma (PMID: 18181215, 24509483). This variant is also known as g.61807G>A and E313E in the literature. Nucleotide substitutions within the consensus splice site are a relatively common cause of aberrant splicing (PMID: 17576681, 9536098). Experimental studies have shown that this variant disrupts mRNA splicing (PMID: 18181215). In summary, the currently available evidence indicates that the variant is pathogenic, but additional data are needed to prove that conclusively. Therefore, this variant has been classified as Likely Pathogenic.

Literature cited by the submitters: PubMed 18181215 (cited by Labcorp Genetics (formerly Invitae), Labcorp); PubMed 24509483 (cited by Labcorp Genetics (formerly Invitae), Labcorp); PubMed 17576681 (cited by Labcorp Genetics (formerly Invitae), Labcorp); PubMed 9536098 (cited by Labcorp Genetics (formerly Invitae), Labcorp).

NM_000321.3(RB1):c.939G>A (p.Glu313=)

Gene: RB1 (RB transcriptional corepressor 1; plus strand). Cytogenetic location: 13q14.2.
Variant type: single nucleotide variant.
Coding change: c.939G>A on transcript NM_000321.3 (MANE Select); coding-DNA position 939, G replaced by A.
Protein change: p.Glu313=; no amino-acid change (glutamic acid 313 retained).
Molecular consequence: synonymous variant.
Genome position (GRCh38, 1-based): chr13:48,364,971, G>A. VCF-style: chr13-48364971-G-A. GRCh37 (hg19) VCF-style: chr13-48939107-G-A.
Identifiers: ClinVar variation 1066671 (VCV001066671.8), dbSNP rs2138116702, ClinGen allele CA483558084.